The following is an entry in ClinVar:

ClinVar aggregate classification (germline): Benign/Likely benign. Review status: criteria provided, multiple submitters, no conflicts (2 of 4 stars). 9 submissions from 9 submitters: Benign (4); Likely benign (1). 4 of the submissions do not count toward it. Last evaluated 2026-08-01.

Conditions:
COL18A1-related disorder. Also called: COL18A1-related condition; COL18A1-related disorders.
Knobloch syndrome (KNO). Also called: Myopia retinal detachment encephalocele; RETINAL DETACHMENT AND OCCIPITAL ENCEPHALOCELE. Identifiers: Orphanet 1571, MedGen C1849409, MONDO:0800166.

Allele frequency attached by ClinVar (database versions not stated): 1000 Genomes Project 30x 0.00453; 1000 Genomes Project 0.00499.
gnomAD v4.1: 1,436 of 1,607,028 alleles (0.089%); highest among the groups gnomAD compares: African/African-American, 1.7%; 14 homozygotes.

Submissions (9):

CeGaT Center for Human Genetics Tuebingen
Classification: Benign. Last evaluated: 2026-08-01. Review status: criteria provided, single submitter. Criteria: CeGaT Center For Human Genetics Tuebingen Variant Classification Criteria Version 2. Collection method: clinical testing. Allele origin: germline. Affected: yes. Observed: 2 variant alleles.
Comment: COL18A1: BS1, BS2

Labcorp Genetics (formerly Invitae), Labcorp
Classification: Benign. Last evaluated: 2026-01-27. Review status: criteria provided, single submitter. Criteria: Invitae Variant Classification Sherloc (09022015). Collection method: clinical testing. Allele origin: germline.

Blueprint Genetics
Classification: Likely benign. Last evaluated: 2024-11-06. Review status: criteria provided, single submitter. Criteria: ACMG Guidelines, 2015. Collection method: clinical testing. Allele origin: germline.

Illumina Laboratory Services, Illumina
Classification: Benign for Knobloch syndrome 1. Last evaluated: 2018-01-13. Review status: criteria provided, single submitter. Criteria: ICSL Variant Classification Criteria 13 December 2019. Collection method: clinical testing. Allele origin: germline.
Comment: This variant was observed in the ICSL laboratory as part of a predisposition screen in an ostensibly healthy population. It had not been previously curated by ICSL or reported in the Human Gene Mutation Database (HGMD: prior to June 1st, 2018), and was therefore a candidate for classification through an automated scoring system. Utilizing variant allele frequency, disease prevalence and penetrance estimates, and inheritance mode, an automated score was calculated to assess if this variant is too frequent to cause the disease. Based on the score and internal cut-off values, a variant classified as benign is not then subjected to further curation. The score for this variant resulted in a classification of benign for this disease.

Athena Diagnostics
Classification: Benign. Last evaluated: 2016-12-15. Review status: criteria provided, single submitter. Criteria: Athena Diagnostics Criteria. Collection method: clinical testing. Allele origin: germline.

PreventionGenetics, part of Exact Sciences
Classification: Benign for COL18A1-related condition. Last evaluated: 2019-07-17. Review status: no assertion criteria provided. Collection method: clinical testing. Allele origin: germline. Not counted in ClinVar's aggregate classification.
Comment: This variant is classified as benign based on ACMG/AMP sequence variant interpretation guidelines (Richards et al. 2015 PMID: 25741868, with internal and published modifications).

Clinical Genetics DNA and cytogenetics Diagnostics Lab, Erasmus MC, Erasmus Medical Center
Classification: Benign. Review status: no assertion criteria provided. Collection method: clinical testing. Allele origin: germline. Affected: yes. Study: VKGL Data-share Consensus. Not counted in ClinVar's aggregate classification.

Clinical Genetics, Academic Medical Center
Classification: Likely benign. Review status: no assertion criteria provided. Collection method: clinical testing. Allele origin: germline. Affected: yes. Study: VKGL Data-share Consensus. Not counted in ClinVar's aggregate classification.

Laboratory of Diagnostic Genome Analysis, Leiden University Medical Center (LUMC)
Classification: Likely benign. Review status: no assertion criteria provided. Collection method: clinical testing. Allele origin: germline. Affected: yes. Study: VKGL Data-share Consensus. Not counted in ClinVar's aggregate classification.

NM_001379500.1(COL18A1):c.2782G>C (p.Gly928Arg)

Genes: COL18A1 (collagen type XVIII alpha 1 chain; plus strand), SLC19A1 (solute carrier family 19 member 1; minus strand). Cytogenetic location: 21q22.3.
Variant type: single nucleotide variant.
Coding change: c.2782G>C on transcript NM_001379500.1 (MANE Select); coding-DNA position 2782, G replaced by C.
Protein change: p.Gly928Arg; replaces glycine 928 with arginine.
Molecular consequence: missense variant.
Genome position (GRCh38, 1-based): chr21:45,504,470, G>C. VCF-style: chr21-45504470-G-C. GRCh37 (hg19) VCF-style: chr21-46924384-G-C.
Other names: NM_130445.2:c.2782G>C; c.3322G>C, p.Gly1108Arg (NM_030582.4); c.4027G>C, p.Gly1343Arg (NM_130444.3); c.3322G>C (NM_030582.3); short protein forms G1108R, G1343R.
Identifiers: ClinVar variation 447121 (VCV000447121.22), dbSNP rs187721798, ClinGen allele CA10067464.